The following is an entry in ClinVar:

ClinVar aggregate classification (germline): Uncertain significance (1 of 4 stars; one submission).

Submission:

Labcorp Genetics (formerly Invitae), Labcorp
Classification: Uncertain significance. Last evaluated: 2023-01-02. Review status: criteria provided, single submitter. Criteria: Invitae Variant Classification Sherloc (09022015). Collection method: clinical testing. Allele origin: germline.
Comment: In summary, the available evidence is currently insufficient to determine the role of this variant in disease. Therefore, it has been classified as a Variant of Uncertain Significance. Advanced modeling of protein sequence and biophysical properties (such as structural, functional, and spatial information, amino acid conservation, physicochemical variation, residue mobility, and thermodynamic stability) performed at Invitae indicates that this missense variant is not expected to disrupt COL2A1 protein function. This variant has not been reported in the literature in individuals affected with COL2A1-related conditions. This variant is not present in population databases (gnomAD no frequency). This sequence change replaces proline, which is neutral and non-polar, with threonine, which is neutral and polar, at codon 368 of the COL2A1 protein (p.Pro368Thr).

NM_001844.5(COL2A1):c.1102C>A (p.Pro368Thr)

Gene: COL2A1 (collagen type II alpha 1 chain; minus strand). Cytogenetic location: 12q13.11.
Variant type: single nucleotide variant.
Coding change: c.1102C>A on transcript NM_001844.5 (MANE Select); coding-DNA position 1102, C replaced by A.
Protein change: p.Pro368Thr; replaces proline 368 with threonine.
Molecular consequence: missense variant.
Genome position (GRCh38, 1-based): chr12:47,989,248, G>T on the plus strand (C>A on the coding strand, the complement: COL2A1 is on the minus strand). VCF-style: chr12-47989248-G-T. GRCh37 (hg19) VCF-style: chr12-48383031-G-T.
Other names: c.895C>A, p.Pro299Thr (NM_033150.3); short protein forms P299T, P368T.
Identifiers: ClinVar variation 2825931 (VCV002825931.3), dbSNP rs2540157456, ClinGen allele CA384555297.
Genomic context (GRCh38, chr12:47,989,248, plus strand): 5'-CGGCACCCAGAAGTTCCTGACTGGACAACAGGGCACGTACCTTGGCTCCAGGAGCACCAG[G>T]GAAGCCAGGACCACCAGCAGGACCGACAGGACCCTGGAGAGAGTAGGCGGATGAGAAGAG-3'
Protein context (NP_001835.3, residues 358-378): PVGPAGGPGF[Pro368Thr]GAPGAKGEAG